The following is an entry in ClinVar:

NM_030653.4(DDX11):c.2276G>C (p.Cys759Ser)

Gene: DDX11 (DEAD/H-box helicase 11; plus strand). Cytogenetic location: 12p11.21.
Variant type: single nucleotide variant.
Coding change: c.2276G>C on transcript NM_030653.4 (MANE Select); coding-DNA position 2276, G replaced by C.
Protein change: p.Cys759Ser; replaces cysteine 759 with serine.
Molecular consequence: missense variant. On other transcripts: non-coding transcript variant (4).
Genome position (GRCh38, 1-based): chr12:31,102,431, G>C. VCF-style: chr12-31102431-G-C. GRCh37 (hg19) VCF-style: chr12-31255365-G-C.
Other names: c.2276G>C, p.Cys759Ser (NM_001257144.2, NM_001413692.1, NM_001413693.1 and 4 more transcripts); c.2198G>C, p.Cys733Ser (NM_001257145.2, NM_001413697.1, NM_001413698.1 and 1 more transcripts); c.2189G>C, p.Cys730Ser (NM_001413700.1); c.1748G>C, p.Cys583Ser (NM_001413702.1, NM_001413703.1); c.1415G>C, p.Cys472Ser (NM_001413704.1, NM_001413705.1); c.1310G>C, p.Cys437Ser (NM_001413706.1); c.2126G>C, p.Cys709Ser (NM_004399.3); short protein forms C437S, C472S, C583S, C709S, C730S, C733S, C759S.
Identifiers: ClinVar variation 3364388 (VCV003364388.1).

ClinVar aggregate classification (germline): Uncertain significance (1 of 4 stars; one submission).

Submission:

GeneDx
Classification: Uncertain significance. Last evaluated: 2023-11-16. Review status: criteria provided, single submitter. Criteria: GeneDx Variant Classification Process June 2021. Collection method: clinical testing. Allele origin: germline. Affected: yes.
Comment: Not observed at significant frequency in large population cohorts (gnomAD); In silico analysis supports that this missense variant has a deleterious effect on protein structure/function; Has not been previously published as pathogenic or benign to our knowledge